The following is an entry in ClinVar:

ClinVar aggregate classification (germline): Uncertain significance. Review status: criteria provided, multiple submitters, no conflicts (2 of 4 stars). 2 submissions from 2 submitters: Uncertain significance (2). Last evaluated 2024-05-08.

Allele frequency attached by ClinVar (database versions not stated): ExAC 0.00001; gnomAD exomes 0.00001.
gnomAD v4.1: 8 of 1,612,172 alleles (0.0005%); highest among the groups gnomAD compares: Non-Finnish European, 0.00068%; no homozygotes.

Submissions (2):

GeneDx
Classification: Uncertain significance. Last evaluated: 2024-05-08. Review status: criteria provided, single submitter. Criteria: GeneDx Variant Classification Process June 2021. Collection method: clinical testing. Allele origin: germline. Affected: yes.
Comment: Not observed at significant frequency in large population cohorts (gnomAD); Missense variant in a gene in which most reported pathogenic variants are truncating/loss of function; Has not been previously published as pathogenic or benign to our knowledge

Revvity Omics, Revvity
Classification: Uncertain significance. Last evaluated: 2019-05-02. Review status: criteria provided, single submitter. Criteria: ACMG Guidelines, 2015. Collection method: clinical testing. Allele origin: germline.

NM_001267550.2(TTN):c.51121A>G (p.Asn17041Asp)

Genes: TTN-AS1 (TTN antisense RNA 1; plus strand), TTN (titin; minus strand). Cytogenetic location: 2q31.2.
Variant type: single nucleotide variant.
Coding change: c.51121A>G on transcript NM_001267550.2 (MANE Select); coding-DNA position 51121, A replaced by G.
Protein change: p.Asn17041Asp; replaces asparagine 17041 with aspartic acid.
Molecular consequence: missense variant.
Genome position (GRCh38, 1-based): chr2:178,611,008, T>C on the plus strand (A>G on the coding strand, the complement: TTN is on the minus strand). VCF-style: chr2-178611008-T-C. GRCh37 (hg19) VCF-style: chr2-179475735-T-C.
Other names: c.46198A>G, p.Asn15400Asp (NM_001256850.1); c.23926A>G, p.Asn7976Asp (NM_003319.4); c.43417A>G, p.Asn14473Asp (NM_133378.4); c.24301A>G, p.Asn8101Asp (NM_133432.3); c.24502A>G, p.Asn8168Asp (NM_133437.4); short protein forms N14473D, N15400D, N17041D, N7976D, N8101D, N8168D.
Identifiers: ClinVar variation 2438220 (VCV002438220.4), dbSNP rs751639212, ClinGen allele CA1994248.